The following is an entry in ClinVar:

ClinVar aggregate classification (germline): Likely benign. Review status: criteria provided, single submitter (1 of 4 stars). 2 submissions from 2 submitters: Likely benign (1). 1 of the submissions does not count toward it. Last evaluated 2025-08-28.

Conditions:
BBS2-related disorder. Also called: BBS2-related condition; BBS2-related disorders. Identifiers: MedGen CN239228.
Bardet-Biedl syndrome (BBS). Identifiers: Orphanet 110, MedGen C0752166, MONDO:0015229.

Allele frequency attached by ClinVar (database versions not stated): gnomAD 0.00001 and 0.00002; TOPMed 0.00001.
gnomAD v4.1: 32 of 1,614,038 alleles (0.002%); highest among the groups gnomAD compares: African/African-American, 0.019%; no homozygotes.

Submissions (2):

Labcorp Genetics (formerly Invitae), Labcorp
Classification: Likely benign for Bardet-Biedl syndrome. Last evaluated: 2025-08-28. Review status: criteria provided, single submitter. Criteria: Invitae Variant Classification Sherloc (09022015). Collection method: clinical testing. Allele origin: germline.

PreventionGenetics, part of Exact Sciences
Classification: Likely benign for BBS2-related condition. Last evaluated: 2021-07-21. Review status: no assertion criteria provided. Collection method: clinical testing. Allele origin: germline. Not counted in ClinVar's aggregate classification.
Comment: This variant is classified as likely benign based on ACMG/AMP sequence variant interpretation guidelines (Richards et al. 2015 PMID: 25741868, with internal and published modifications).

NM_031885.5(BBS2):c.2059+7C>G

Gene: BBS2 (Bardet-Biedl syndrome 2; minus strand). Cytogenetic location: 16q13.
Variant type: single nucleotide variant.
Coding change: c.2059+7C>G on transcript NM_031885.5 (MANE Select); 7 bases into the intron after coding-DNA position 2059, C replaced by G.
Molecular consequence: intron variant.
Genome position (GRCh38, 1-based): chr16:56,485,583, G>C on the plus strand (C>G on the coding strand, the complement: BBS2 is on the minus strand). VCF-style: chr16-56485583-G-C. GRCh37 (hg19) VCF-style: chr16-56519495-G-C.
Other names: c.2059+7C>G (NM_001377456.1, NM_031885.3).
Identifiers: ClinVar variation 1100696 (VCV001100696.11), dbSNP rs113740983, ClinGen allele CA281469231.